The following is an entry in ClinVar:

NM_007294.4(BRCA1):c.3595G>C (p.Ala1199Pro)

Genes: BRCA1 (BRCA1 DNA repair associated; minus strand), LOC126862571 (BRD4-independent group 4 enhancer GRCh37_chr17:41243136-41244335; plus strand). Cytogenetic location: 17q21.31.
Variant type: single nucleotide variant.
Coding change: c.3595G>C on transcript NM_007294.4 (MANE Select); coding-DNA position 3595, G replaced by C.
Protein change: p.Ala1199Pro; replaces alanine 1199 with proline.
Molecular consequence: missense variant. On other transcripts: intron variant (135).
Genome position (GRCh38, 1-based): chr17:43,091,936, C>G on the plus strand (G>C on the coding strand, the complement: BRCA1 is on the minus strand). VCF-style: chr17-43091936-C-G. GRCh37 (hg19) VCF-style: chr17-41243953-C-G.
Other names: c.3454G>C, p.Ala1152Pro (NM_001407737.1, NM_001407738.1, NM_001407739.1 and 29 more transcripts); c.788-904G>C (NM_001408403.1, NM_001407983.1, NM_001407975.1 and 17 more transcripts); c.644-904G>C (NM_001408463.1, NM_001408465.1, NM_001408470.1 and 3 more transcripts); c.524-904G>C (NM_001408499.1, NM_001408498.1, NM_001408501.1 and 3 more transcripts); c.671-904G>C (NM_001408422.1, NM_001408423.1, NM_001408420.1 and 2 more transcripts); c.647-904G>C (NM_001408456.1, NM_001408458.1, NM_001408469.1 and 11 more transcripts); c.578-904G>C (NM_001408482.1, NM_001408481.1, NM_001408480.1 and 9 more transcripts); c.521-904G>C (NM_001408504.1, NM_001408503.1, NM_001408505.1); and 41 more; short protein forms A1087P, A1158P, A1031P, A1072P, A1088P, A1172P, A1071P, A1110P.
Identifiers: ClinVar variation 1733016 (VCV001733016.4), dbSNP rs1555587437, ClinGen allele CA10594773.
Genomic context (GRCh38, chr17:43,091,936, plus strand): 5'-CACTAGATAAGTTCTCTTCTGAGGACTCTAATTTCTTGGCCCCTCTTCGGTAACCCTGAG[C>G]CAAATGTGTATGGGTGAAAGGGCTAGGACTCCTGCTAAGCTCTCCTTTCTGGACGCTTTT-3'
Protein context (NP_009225.1, residues 1189-1209): SPSPFTHTHL[Ala1199Pro]QGYRRGAKKL

ClinVar aggregate classification (germline): Conflicting classifications of pathogenicity. Review status: criteria provided, conflicting classifications (1 of 4 stars). 2 submissions from 2 submitters: Uncertain significance (1); Likely benign (1). Last evaluated 2023-03-23.

Conditions:
Hereditary cancer-predisposing syndrome. Also called: Neoplastic Syndromes, Hereditary; Tumor predisposition; Hereditary Cancer Syndrome; Hereditary neoplastic syndrome. Identifiers: Orphanet 140162, MedGen C0027672, MeSH D009386, MONDO:0015356.

Submissions (2):

University of Washington Department of Laboratory Medicine, University of Washington
Classification: Likely benign for Hereditary cancer-predisposing syndrome. Last evaluated: 2023-03-23. Review status: criteria provided, single submitter. Criteria: Dines et al. (Genet Med. 2020). Collection method: curation. Allele origin: germline.
Comment: Missense variant in a coldspot region where missense variants are very unlikely to be pathogenic (PMID:31911673).

BRCA1 coldspot (exon 11 using historical exon numbering). Reclassification based on statistical prior probability

Ambry Genetics
Classification: Uncertain significance for Hereditary cancer-predisposing syndrome. Last evaluated: 2015-10-19. Review status: criteria provided, single submitter. Criteria: Ambry Variant Classification Scheme 2023. Collection method: clinical testing. Allele origin: germline.
Comment: The p.A1199P variant (also known as c.3595G>C), located in coding exon 9 of the BRCA1 gene, results from a G to C substitution at nucleotide position 3595. The alanine at codon 1199 is replaced by proline, an amino acid with highly similar properties. This variant was not reported in population based cohorts in the following databases: Database of Single Nucleotide Polymorphisms (dbSNP), NHLBI Exome Sequencing Project (ESP), and 1000 Genomes Project. In the ESP, this variant was not observed in 6502 samples (13004 alleles) with coverage at this position. To date, this alteration has been detected with an allele frequency of approximately 0.001% (greater than 150000 alleles tested) in our clinical cohort. This amino acid position is not well conserved in available vertebrate species. In addition, this alteration is predicted to be tolerated by in silico analysis. Since supporting evidence is limited at this time, the clinical significance of p.A1199P remains unclear.